The following is an entry in ClinVar:

ClinVar aggregate classification (germline): Likely pathogenic. Review status: criteria provided, multiple submitters, no conflicts (2 of 4 stars). 5 submissions from 5 submitters: Likely pathogenic (4). 1 of the submissions does not count toward it. Last evaluated 2025-11-13.

Conditions:
ALMS1-related disorder. Also called: ALMS1-related condition.
Alstrom syndrome (ALMS). Identifiers: Orphanet 64, MedGen C0268425, MONDO:0008763, OMIM 203800.

Allele frequency attached by ClinVar (database versions not stated): gnomAD exomes below 0.00001 and 0.00001.
gnomAD v4.1: 14 of 1,614,028 alleles (0.00087%); highest among the groups gnomAD compares: Non-Finnish European, 0.0011%; no homozygotes.

Submissions (5):

Labcorp Genetics (formerly Invitae), Labcorp
Classification: Likely pathogenic for Alstrom syndrome. Last evaluated: 2025-11-13. Review status: criteria provided, single submitter. Criteria: Invitae Variant Classification Sherloc (09022015). Collection method: clinical testing. Allele origin: germline.
Comment: This sequence change affects an acceptor splice site in intron 20 of the ALMS1 gene. It is expected to disrupt RNA splicing. Variants that disrupt the donor or acceptor splice site typically lead to a loss of protein function (PMID: 16199547), and loss-of-function variants in ALMS1 are known to be pathogenic (PMID: 17594715). This variant is present in population databases (no rsID available, gnomAD 0.0009%). This variant has not been reported in the literature in individuals affected with ALMS1-related conditions. ClinVar contains an entry for this variant (Variation ID: 551947). Algorithms developed to predict the effect of sequence changes on RNA splicing suggest that this variant may disrupt the consensus splice site. In summary, the currently available evidence indicates that the variant is pathogenic, but additional data are needed to prove that conclusively. Therefore, this variant has been classified as Likely Pathogenic.

Natera, Inc.
Classification: Likely pathogenic for Alstrom syndrome. Last evaluated: 2024-06-04. Review status: criteria provided, single submitter. Criteria: Natera Variant Classification Schema (03/2026). Collection method: clinical testing. Allele origin: germline.
Comment: The c.12302-1G>A variant in ALMS1 is a canonical splice acceptor site variant predicted to affect pre-mRNA splicing, which may result in an abnormal transcript and altered protein product. This variant is expected to result in nonsense mediated decay, truncation, or a dysfunctional protein product. This variant is rare in the general population with a frequency below the threshold expected for the associated phenotype(s). Given the available evidence, this variant is classified as Likely Pathogenic.

Fulgent Genetics
Classification: Likely pathogenic for Alstrom syndrome. Last evaluated: 2022-02-10. Review status: criteria provided, single submitter. Criteria: ACMG Guidelines, 2015. Collection method: clinical testing. Allele origin: unknown.

Blueprint Genetics
Classification: Likely pathogenic for ALMS1-related disorders. Last evaluated: 2021-09-16. Review status: criteria provided, single submitter. Criteria: ACMG Guidelines, 2015. Collection method: clinical testing. Allele origin: germline. Affected: yes. Observed: 1 variant allele.

Counsyl
Classification: Likely pathogenic for Alstrom syndrome. Last evaluated: 2017-05-17. Review status: no assertion criteria provided. Collection method: clinical testing. Allele origin: unknown. Not counted in ClinVar's aggregate classification.

Literature cited by the submitters: PubMed 16199547 (cited by Labcorp Genetics (formerly Invitae), Labcorp); PubMed 17594715 (cited by Labcorp Genetics (formerly Invitae), Labcorp).

NM_001378454.1(ALMS1):c.12299-1G>A

Gene: ALMS1 (ALMS1 centrosome and basal body associated protein; plus strand). Cytogenetic location: 2p13.1.
Variant type: single nucleotide variant.
Coding change: c.12299-1G>A on transcript NM_001378454.1 (MANE Select); the canonical splice acceptor site of the intron before coding-DNA position 12299, G replaced by A.
Molecular consequence: splice acceptor variant.
Genome position (GRCh38, 1-based): chr2:73,603,240, G>A. VCF-style: chr2-73603240-G-A. GRCh37 (hg19) VCF-style: chr2-73830367-G-A.
Other names: c.12302-1G>A (NM_015120.4); c.12299-1G>A (NM_015120.4).
Identifiers: ClinVar variation 551947 (VCV000551947.11), dbSNP rs1313101326, ClinGen allele CA347270970.